The following is an entry in ClinVar:

NM_000540.3(RYR1):c.11824A>G (p.Ile3942Val)

Gene: RYR1 (ryanodine receptor 1; plus strand). Cytogenetic location: 19q13.2.
Variant type: single nucleotide variant.
Coding change: c.11824A>G on transcript NM_000540.3 (MANE Select); coding-DNA position 11824, A replaced by G.
Protein change: p.Ile3942Val; replaces isoleucine 3942 with valine.
Molecular consequence: missense variant.
Genome position (GRCh38, 1-based): chr19:38,543,577, A>G. VCF-style: chr19-38543577-A-G. GRCh37 (hg19) VCF-style: chr19-39034217-A-G.
Other names: c.11809A>G, p.Ile3937Val (NM_001042723.2); short protein forms I3942V, I3937V.
Identifiers: ClinVar variation 1525897 (VCV001525897.6), dbSNP rs1185251744, ClinGen allele CA405661891.
Genomic context (GRCh38, chr19:38,543,577, plus strand): 5'-ACCCGCCCCCACCAGGAATCCATCAGCGACTTCTACTGGTACTACTCGGGCAAGGATGTC[A>G]TTGAAGAGCAGGGCAAGAGGAACTTCTCCAAAGCCATGTCGGTGGCTAAGCAGGTGTTCA-3'
Protein context (NP_000531.2, residues 3932-3952): FYWYYSGKDV[Ile3942Val]EEQGKRNFSK

ClinVar aggregate classification (germline): Uncertain significance. Review status: criteria provided, multiple submitters, no conflicts (2 of 4 stars). 2 submissions from 2 submitters: Uncertain significance (2). Last evaluated 2023-05-04.

Conditions:
RYR1-related disorder. Also called: RYR1-related condition; RYR1-related disorders. Identifiers: MedGen CN239331.
Malignant hyperthermia, susceptibility to, 1 (MHS1). Also called: RYR1-Related Malignant Hyperthermia Susceptibility; Anesthesia related hyperthermia; Malignant hyperpyrexia; Fulminating hyperpyrexia; Pharmacogenic myopathy; Malignant hyperthermia suceptibility 1. Identifiers: Orphanet 423, MedGen C2930980, MONDO:0007783, OMIM 145600.

Allele frequency attached by ClinVar (database versions not stated): gnomAD exomes below 0.00001.
gnomAD v4.1: 1 of 1,613,984 alleles (0.000062%); highest among the groups gnomAD compares: Admixed American, 0.0017%; no homozygotes.

Submissions (2):

All of Us Research Program, National Institutes of Health
Classification: Uncertain significance for Malignant hyperthermia, susceptibility to, 1. Last evaluated: 2023-05-04. Review status: criteria provided, single submitter. Criteria: ACMG Guidelines, 2015. Collection method: clinical testing. Allele origin: germline. Inheritance: Autosomal dominant inheritance. Observed: 1 variant allele, 1 heterozygote.
Comment: This missense variant replaces isoleucine with valine at codon 3942 of the RYR1 protein. Computational prediction is inconclusive regarding the impact of this variant on protein structure and function (internally defined REVEL score threshold 0.5 < inconclusive < 0.7, PMID: 27666373). To our knowledge, functional studies have not been reported for this variant. This variant has not been reported in individuals affected with RYR1-related disorders in the literature. This variant has been identified in 1/251450 chromosomes in the general population by the Genome Aggregation Database (gnomAD). The available evidence is insufficient to determine the role of this variant in disease conclusively. Therefore, this variant is classified as a Variant of Uncertain Significance.

This study involves interpretation of variants in research participants for the purpose of population health screening. Participant phenotype was not available at the time of variant classification. Additional details can be found in publication PMID: 35346344, PMCID: PMC8962531

Labcorp Genetics (formerly Invitae), Labcorp
Classification: Uncertain significance for RYR1-related disorder. Last evaluated: 2021-08-27. Review status: criteria provided, single submitter. Criteria: Invitae Variant Classification Sherloc (09022015). Collection method: clinical testing. Allele origin: germline.
Comment: This sequence change replaces isoleucine with valine at codon 3942 of the RYR1 protein (p.Ile3942Val). The isoleucine residue is moderately conserved and there is a small physicochemical difference between isoleucine and valine. This variant is not present in population databases (ExAC no frequency). This variant has not been reported in the literature in individuals affected with RYR1-related conditions. Advanced modeling of protein sequence and biophysical properties (such as structural, functional, and spatial information, amino acid conservation, physicochemical variation, residue mobility, and thermodynamic stability) performed at Invitae indicates that this missense variant is not expected to disrupt RYR1 protein function. In summary, the available evidence is currently insufficient to determine the role of this variant in disease. Therefore, it has been classified as a Variant of Uncertain Significance.